The following is an entry in ClinVar:

ClinVar aggregate classification (germline): Likely benign (1 of 4 stars; one submission).

Submission:

CeGaT Center for Human Genetics Tuebingen
Classification: Likely benign. Last evaluated: 2026-09-01. Review status: criteria provided, single submitter. Criteria: CeGaT Center For Human Genetics Tuebingen Variant Classification Criteria Version 2. Collection method: clinical testing. Allele origin: germline. Affected: yes. Observed: 2 variant alleles.
Comment: NUTM2B-AS1: BS1

NC_000010.11:g.79804284T>A

Gene: NUTM2B-AS1 (NUTM2B antisense RNA 1; minus strand). Cytogenetic location: 10q22.3.
Variant type: single nucleotide variant.
Genome position: GRCh38 VCF-style: chr10-79804284-T-A. GRCh37 (hg19) VCF-style: chr10-81564040-T-A.
Identifiers: ClinVar variation 3257237 (VCV003257237.17).
Genomic context (GRCh38, chr10:79,804,284, plus strand): 5'-AACACAAACATATACTAGAGGTATTGTTTTCTGCATTTATGCATGAACAATAAGATTTTT[T>A]AAATTTTTGACTTATCTGTGGAAATATGATAGAGAATTGTATGGTATGGTTTAAGTATTA-3'